The following is an entry in ClinVar:

NM_000327.4(ROM1):c.20T>G (p.Leu7Arg)

Gene: ROM1 (retinal outer segment membrane protein 1; plus strand). Cytogenetic location: 11q12.3.
Variant type: single nucleotide variant.
Coding change: c.20T>G on transcript NM_000327.4 (MANE Select); coding-DNA position 20, T replaced by G.
Protein change: p.Leu7Arg; replaces leucine 7 with arginine.
Molecular consequence: missense variant.
Genome position (GRCh38, 1-based): chr11:62,613,301, T>G. VCF-style: chr11-62613301-T-G. GRCh37 (hg19) VCF-style: chr11-62380773-T-G.
Other names: short protein forms L7R.
Identifiers: ClinVar variation 1005092 (VCV001005092.8), dbSNP rs1942930648, ClinGen allele CA380967930.

ClinVar aggregate classification (germline): Uncertain significance (1 of 4 stars; one submission).

Allele frequency attached by ClinVar (database versions not stated): TOPMed below 0.00001; gnomAD 0.00001.
gnomAD v4.1: 1 of 1,608,684 alleles (0.000062%); highest among the groups gnomAD compares: African/African-American, 0.0013%; no homozygotes.

Submission:

Labcorp Genetics (formerly Invitae), Labcorp
Classification: Uncertain significance. Last evaluated: 2022-06-13. Review status: criteria provided, single submitter. Criteria: Invitae Variant Classification Sherloc (09022015). Collection method: clinical testing. Allele origin: germline.
Comment: In summary, the available evidence is currently insufficient to determine the role of this variant in disease. Therefore, it has been classified as a Variant of Uncertain Significance. Algorithms developed to predict the effect of missense changes on protein structure and function are either unavailable or do not agree on the potential impact of this missense change (SIFT: "Deleterious"; PolyPhen-2: "Not Available"; Align-GVGD: "Class C0"). ClinVar contains an entry for this variant (Variation ID: 1005092). This variant has not been reported in the literature in individuals affected with ROM1-related conditions. This variant is not present in population databases (gnomAD no frequency). This sequence change replaces leucine, which is neutral and non-polar, with arginine, which is basic and polar, at codon 7 of the ROM1 protein (p.Leu7Arg).